The following is an entry in ClinVar:

ClinVar aggregate classification (germline): Uncertain significance. Review status: criteria provided, multiple submitters, no conflicts (2 of 4 stars). 2 submissions from 2 submitters: Uncertain significance (2). Last evaluated 2026-03-18.

Conditions:
Emery-Dreifuss muscular dystrophy 4, autosomal dominant (EDMD4). Also called: EMERY-DREIFUSS MUSCULAR DYSTROPHY 4 WITH VARIABLE FEATURES. Identifiers: Orphanet 261, MedGen C2751807, MONDO:0013071, OMIM 612998.
Autosomal recessive ataxia, Beauce type. Also called: SYNE1 Deficiency; Spinocerebellar ataxia, autosomal recessive 8; ATAXIA, RECESSIVE, OF BEAUCE; SYNE1-Related Autosomal Recessive Cerebellar Ataxia. Identifiers: Orphanet 88644, MedGen C1853116, MONDO:0012549, OMIM 610743.

Allele frequency attached by ClinVar (database versions not stated): gnomAD 0.00001; TOPMed 0.00002.
gnomAD v4.1: 4 of 1,613,774 alleles (0.00025%); highest among the groups gnomAD compares: Admixed American, 0.005%; no homozygotes.

Submissions (2):

Women's Health and Genetics/Laboratory Corporation of America, LabCorp
Classification: Uncertain significance. Last evaluated: 2026-03-18. Review status: criteria provided, single submitter. Criteria: LabCorp Variant Classification Summary - May 2015. Collection method: clinical testing. Allele origin: germline.
Comment: Variant summary: SYNE1 c.22918C>A (p.Gln7640Lys) results in a conservative amino acid change in the encoded protein sequence. Algorithms developed to predict the effect of missense changes on protein structure and function are either unavailable or do not agree on the potential impact of this missense change. The variant was absent in 250996 control chromosomes. The available data on variant occurrences in the general population are insufficient to allow any conclusion about variant significance. To our knowledge, no occurrence of c.22918C>A in individuals affected with SYNE1-related conditions and no experimental evidence demonstrating its impact on protein function have been reported. ClinVar contains an entry for this variant (Variation ID: 2045283). Based on the evidence outlined above, the variant was classified as uncertain significance.

Labcorp Genetics (formerly Invitae), Labcorp
Classification: Uncertain significance for Emery-Dreifuss muscular dystrophy 4, autosomal dominant; Autosomal recessive ataxia, Beauce type. Last evaluated: 2023-07-21. Review status: criteria provided, single submitter. Criteria: Invitae Variant Classification Sherloc (09022015). Collection method: clinical testing. Allele origin: germline.
Comment: This variant has not been reported in the literature in individuals affected with SYNE1-related conditions. ClinVar contains an entry for this variant (Variation ID: 2045283). An algorithm developed to predict the effect of missense changes on protein structure and function (PolyPhen-2) suggests that this variant is likely to be disruptive. In summary, the available evidence is currently insufficient to determine the role of this variant in disease. Therefore, it has been classified as a Variant of Uncertain Significance. This variant is not present in population databases (gnomAD no frequency). This sequence change replaces glutamine, which is neutral and polar, with lysine, which is basic and polar, at codon 7640 of the SYNE1 protein (p.Gln7640Lys).

NM_182961.4(SYNE1):c.23131C>A (p.Gln7711Lys)

Gene: SYNE1 (spectrin repeat containing nuclear envelope protein 1; minus strand). Cytogenetic location: 6q25.2.
Variant type: single nucleotide variant.
Coding change: c.23131C>A on transcript NM_182961.4 (MANE Select); coding-DNA position 23131, C replaced by A.
Protein change: p.Gln7711Lys; replaces glutamine 7711 with lysine.
Molecular consequence: missense variant.
Genome position (GRCh38, 1-based): chr6:152,201,838, G>T on the plus strand (C>A on the coding strand, the complement: SYNE1 is on the minus strand). VCF-style: chr6-152201838-G-T. GRCh37 (hg19) VCF-style: chr6-152522973-G-T.
Other names: c.22918C>A, p.Gln7640Lys (NM_033071.5); short protein forms Q7711K, Q7640K.
Identifiers: ClinVar variation 2045283 (VCV002045283.5), dbSNP rs119103244, ClinGen allele CA150168392.